The following is an entry in ClinVar:

NM_001127453.2(GSDME):c.539G>A (p.Cys180Tyr)

Gene: GSDME (gasdermin E; minus strand). Cytogenetic location: 7p15.3.
Variant type: single nucleotide variant.
Coding change: c.539G>A on transcript NM_001127453.2 (MANE Select); coding-DNA position 539, G replaced by A.
Protein change: p.Cys180Tyr; replaces cysteine 180 with tyrosine.
Molecular consequence: missense variant.
Genome position (GRCh38, 1-based): chr7:24,719,084, C>T on the plus strand (G>A on the coding strand, the complement: GSDME is on the minus strand). VCF-style: chr7-24719084-C-T. GRCh37 (hg19) VCF-style: chr7-24758703-C-T.
Other names: c.47G>A, p.Cys16Tyr (NM_001127454.2); c.539G>A, p.Cys180Tyr (NM_004403.3); short protein forms C180Y, C16Y.
Identifiers: ClinVar variation 3711776 (VCV003711776.2).

ClinVar aggregate classification (germline): Uncertain significance (1 of 4 stars; one submission).

gnomAD v4.1: 1 of 1,613,484 alleles (0.000062%); highest among the groups gnomAD compares: Admixed American, 0.0017%; no homozygotes.

Submission:

Labcorp Genetics (formerly Invitae), Labcorp
Classification: Uncertain significance. Last evaluated: 2024-08-11. Review status: criteria provided, single submitter. Criteria: Invitae Variant Classification Sherloc (09022015). Collection method: clinical testing. Allele origin: germline.
Comment: This sequence change replaces cysteine, which is neutral and slightly polar, with tyrosine, which is neutral and polar, at codon 180 of the DFNA5 protein (p.Cys180Tyr). This variant is not present in population databases (gnomAD no frequency). This variant has not been reported in the literature in individuals affected with DFNA5-related conditions. Advanced modeling of protein sequence and biophysical properties (such as structural, functional, and spatial information, amino acid conservation, physicochemical variation, residue mobility, and thermodynamic stability) performed at Invitae indicates that this missense variant is not expected to disrupt DFNA5 protein function with a negative predictive value of 80%. In summary, the available evidence is currently insufficient to determine the role of this variant in disease. Therefore, it has been classified as a Variant of Uncertain Significance.